The following is an entry in ClinVar:

NM_014989.7(RIMS1):c.1249G>A (p.Ala417Thr)

Gene: RIMS1 (regulating synaptic membrane exocytosis 1; plus strand). Cytogenetic location: 6q13.
Variant type: single nucleotide variant.
Coding change: c.1249G>A on transcript NM_014989.7 (MANE Select); coding-DNA position 1249, G replaced by A.
Protein change: p.Ala417Thr; replaces alanine 417 with threonine.
Molecular consequence: missense variant.
Genome position (GRCh38, 1-based): chr6:72,182,720, G>A. VCF-style: chr6-72182720-G-A. GRCh37 (hg19) VCF-style: chr6-72892423-G-A.
Other names: short protein forms A417T.
Identifiers: ClinVar variation 450823 (VCV000450823.2), dbSNP rs1261413990, ClinGen allele CA364820587.

ClinVar aggregate classification (germline): Uncertain significance (1 of 4 stars; one submission).

gnomAD v4.1: 2 of 1,531,936 alleles (0.00013%); highest among the groups gnomAD compares: Middle Eastern, 0.019%; no homozygotes.

Submission:

GeneDx
Classification: Uncertain significance. Last evaluated: 2017-07-27. Review status: criteria provided, single submitter. Criteria: GeneDx Variant Classification (06012015). Collection method: clinical testing. Allele origin: germline. Affected: yes.
Comment: The A417T variant in the RIMS1 gene has not been reported previously as a pathogenic variant, nor as a benign variant, to our knowledge. The A417T variant is not observed in large population cohorts (Lek et al., 2016; 1000 Genomes Consortium et al., 2015; Exome Variant Server). The A417T variant is a non-conservative amino acid substitution, which is likely to impact secondary protein structure as these residues differ in polarity, charge, size and/or other properties. This substitution occurs at a position that is not conserved. In silico analysis is inconsistent in its predictions as to whether or not the variant is damaging to the protein structure/function. We interpret A417T as a variant of uncertain significance.